The following is an entry in ClinVar:

ClinVar aggregate classification (germline): Uncertain significance (1 of 4 stars; one submission).

Conditions:
Inborn genetic diseases. Identifiers: MedGen C0950123, MeSH D030342.

Submission:

Ambry Genetics
Classification: Uncertain significance for Inborn genetic diseases. Last evaluated: 2026-01-04. Review status: criteria provided, single submitter. Criteria: Ambry Variant Classification Scheme 2023. Collection method: clinical testing. Allele origin: germline.
Comment: The p.R521K variant (also known as c.1562G>A), located in coding exon 1 of the SAMD9L gene, results from a G to A substitution at nucleotide position 1562. The arginine at codon 521 is replaced by lysine, an amino acid with highly similar properties. This amino acid position is conserved. In addition, this alteration is predicted to be tolerated by in silico analysis. Based on the available evidence, the clinical significance of this variant remains unclear.

NM_152703.5(SAMD9L):c.1562G>A (p.Arg521Lys)

Gene: SAMD9L (sterile alpha motif domain containing 9 like; minus strand). Cytogenetic location: 7q21.2.
Variant type: single nucleotide variant.
Coding change: c.1562G>A on transcript NM_152703.5 (MANE Select); coding-DNA position 1562, G replaced by A.
Protein change: p.Arg521Lys; replaces arginine 521 with lysine.
Molecular consequence: missense variant.
Genome position (GRCh38, 1-based): chr7:93,134,410, C>T on the plus strand (G>A on the coding strand, the complement: SAMD9L is on the minus strand). VCF-style: chr7-93134410-C-T. GRCh37 (hg19) VCF-style: chr7-92763723-C-T.
Other names: c.1562G>A, p.Arg521Lys (NM_001303496.3, NM_001303497.3, NM_001303498.3 and 5 more transcripts); short protein forms R521K.
Identifiers: ClinVar variation 4842033 (VCV004842033.1).